The following is an entry in ClinVar:

ClinVar aggregate classification (germline): Benign. Review status: criteria provided, multiple submitters, no conflicts (2 of 4 stars). 3 submissions from 3 submitters: Benign (2). 1 of the submissions does not count toward it. Last evaluated 2018-04-04.

Conditions:
UBR4-related disorder. Also called: UBR4-related condition.

Allele frequency attached by ClinVar (database versions not stated): gnomAD exomes 0.00042 and 0.00108; ExAC 0.00125; 1000 Genomes Project 0.00359; 1000 Genomes Project 30x 0.00359; ESP Exome Variant Server 0.00446; gnomAD 0.00470 and 0.00513; TOPMed 0.00561.
gnomAD v4.1: 1,352 of 1,614,060 alleles (0.084%); highest among the groups gnomAD compares: African/African-American, 1.5%; 11 homozygotes.

Submissions (3):

Labcorp Genetics (formerly Invitae), Labcorp
Classification: Benign. Last evaluated: 2018-04-04. Review status: criteria provided, single submitter. Criteria: Invitae Variant Classification Sherloc (09022015). Collection method: clinical testing. Allele origin: germline.

Breakthrough Genomics
Classification: Benign. Review status: criteria provided, single submitter. Criteria: ACMG Guidelines, 2015. Collection method: not provided. Allele origin: germline. Inheritance: Unknown mechanism. Affected: yes.

PreventionGenetics, part of Exact Sciences
Classification: Benign for UBR4-related condition. Last evaluated: 2019-03-12. Review status: no assertion criteria provided. Collection method: clinical testing. Allele origin: germline. Not counted in ClinVar's aggregate classification.
Comment: This variant is classified as benign based on ACMG/AMP sequence variant interpretation guidelines (Richards et al. 2015 PMID: 25741868, with internal and published modifications).

NM_020765.3(UBR4):c.3453G>A (p.Ser1151=)

Gene: UBR4 (ubiquitin protein ligase E3 component n-recognin 4; minus strand). Cytogenetic location: 1p36.13.
Variant type: single nucleotide variant.
Coding change: c.3453G>A on transcript NM_020765.3 (MANE Select); coding-DNA position 3453, G replaced by A.
Protein change: p.Ser1151=; no amino-acid change (serine 1151 retained).
Molecular consequence: synonymous variant.
Genome position (GRCh38, 1-based): chr1:19,172,932, C>T on the plus strand (G>A on the coding strand, the complement: UBR4 is on the minus strand). VCF-style: chr1-19172932-C-T. GRCh37 (hg19) VCF-style: chr1-19499426-C-T.
Identifiers: ClinVar variation 775520 (VCV000775520.6), dbSNP rs116234422, ClinGen allele CA651148.